The following is an entry in ClinVar:

ClinVar aggregate classification (germline): Pathogenic (1 of 4 stars; one submission).

Conditions:
Wilson disease (WND). Also called: Wilson's disease. Identifiers: Orphanet 905, MedGen C0019202, MONDO:0010200, OMIM 277900. Disease mechanism: loss of function.

Submission:

Labcorp Genetics (formerly Invitae), Labcorp
Classification: Pathogenic for Wilson disease. Last evaluated: 2023-10-25. Review status: criteria provided, single submitter. Criteria: Invitae Variant Classification Sherloc (09022015). Collection method: clinical testing. Allele origin: germline.
Comment: This sequence change creates a premature translational stop signal (p.Ser334Lysfs*45) in the ATP7B gene. It is expected to result in an absent or disrupted protein product. Loss-of-function variants in ATP7B are known to be pathogenic (PMID: 10441329, 16283883). This variant is not present in population databases (gnomAD no frequency). This variant has not been reported in the literature in individuals affected with ATP7B-related conditions. For these reasons, this variant has been classified as Pathogenic.

Literature cited by the submitters: PubMed 10441329; PubMed 16283883.

NM_000053.4(ATP7B):c.1000dup (p.Ser334fs)

Gene: ATP7B (ATPase copper transporting beta; minus strand). Cytogenetic location: 13q14.3.
Variant type: Duplication.
Coding change: c.1000dup on transcript NM_000053.4 (MANE Select); coding-DNA position 1000, one base duplicated (A; older notation c.1000dupA).
Protein change: p.Ser334fs; shifts the reading frame from serine 334.
Molecular consequence: frameshift variant. On other transcripts: intron variant (2).
Genome position (GRCh38, 1-based): chr13:51,974,220, T duplicated on the plus strand (A on the coding strand, the reverse complement: ATP7B is on the minus strand). VCF-style (leftmost placement, unchanged base first): chr13-51974219-C-CT. GRCh37 (hg19) VCF-style: chr13-52548355-C-CT.
Other names: c.1000dup, p.Ser334fs (NM_001005918.3, NM_001330578.2, NM_001330579.2 and 29 more transcripts); c.904dup, p.Ser302fs (NM_001406517.1, NM_001406518.1, NM_001406530.1 and 3 more transcripts); c.803-136dup (NM_001243182.2); c.707-136dup (NM_001406539.1); short protein forms S302fs, S334fs.
Identifiers: ClinVar variation 2771717 (VCV002771717.3), dbSNP rs2547816098, ClinGen allele CA2697551881.